The following is an entry in ClinVar:

ClinVar aggregate classification (germline): Uncertain significance (1 of 4 stars; one submission).

Submission:

GeneDx
Classification: Uncertain significance. Last evaluated: 2023-08-07. Review status: criteria provided, single submitter. Criteria: GeneDx Variant Classification Process June 2021. Collection method: clinical testing. Allele origin: germline. Affected: yes.
Comment: Not observed at significant frequency in large population cohorts (gnomAD); In silico analysis supports that this missense variant does not alter protein structure/function; Has not been previously published as pathogenic or benign to our knowledge

NM_001366145.2(TRPM3):c.3517C>G (p.Leu1173Val)

Gene: TRPM3 (transient receptor potential cation channel subfamily M member 3; minus strand). Cytogenetic location: 9q21.12.
Variant type: single nucleotide variant.
Coding change: c.3517C>G on transcript NM_001366145.2 (MANE Select); coding-DNA position 3517, C replaced by G.
Protein change: p.Leu1173Val; replaces leucine 1173 with valine.
Molecular consequence: missense variant.
Genome position (GRCh38, 1-based): chr9:70,552,901, G>C on the plus strand (C>G on the coding strand, the complement: TRPM3 is on the minus strand). VCF-style: chr9-70552901-G-C. GRCh37 (hg19) VCF-style: chr9-73167817-G-C.
Other names: c.3481C>G, p.Leu1161Val (NM_001007471.4, NM_001366151.2); c.3487C>G, p.Leu1163Val (NM_001366141.2, NM_001366143.2, NM_001366149.2); c.3523C>G, p.Leu1175Val (NM_001366142.2); c.3517C>G, p.Leu1173Val (NM_001366146.2); c.3592C>G, p.Leu1198Val (NM_001366147.2, NM_001366152.2); c.3562C>G, p.Leu1188Val (NM_001366148.2); c.3451C>G, p.Leu1151Val (NM_001366150.2); c.3058C>G, p.Leu1020Val (NM_001366154.2, NM_024971.7); and 5 more; short protein forms L1008V, L1010V, L1020V, L1023V, L1033V, L1151V, L1161V, L1163V.
Identifiers: ClinVar variation 3361718 (VCV003361718.1).